The following is an entry in ClinVar:

ClinVar aggregate classification (germline): Uncertain significance (1 of 4 stars; one submission).

Conditions:
Hypogonadotropic hypogonadism 27 without anosmia. Identifiers: MedGen C5676921, MONDO:0030684, OMIM 619755.

Allele frequency attached by ClinVar (database versions not stated): gnomAD exomes below 0.00001.
gnomAD v4.1: 1 of 1,613,756 alleles (0.000062%); highest among the groups gnomAD compares: East Asian, 0.0022%; no homozygotes.

Submission:

Illumina Laboratory Services, Illumina
Classification: Uncertain significance for Hypogonadotropic hypogonadism 27 without anosmia. Last evaluated: 2022-06-08. Review status: criteria provided, single submitter. Criteria: ICSLVariantClassificationCriteria RUGD 01 April 2020. Collection method: clinical testing. Allele origin: unknown.
Comment: The MAN2C1 c.351+3G>A variant occurs in a splice region and results in the substitution of a guanine at nucleotide position c.351+3 with an adenine. To our knowledge, this variant has not been reported in the peer-reviewed literature. This variant is not found in version 2.1.1 or version 3.1.2 of the Genome Aggregation Database. Based on the available evidence, the c.351+3G>A variant is classified as a variant of uncertain significance for congenital disorder of deglycosylation 2.

NM_006715.4(MAN2C1):c.351+3G>A

Gene: MAN2C1 (mannosidase alpha class 2C member 1; minus strand). Cytogenetic location: 15q24.2.
Variant type: single nucleotide variant.
Coding change: c.351+3G>A on transcript NM_006715.4 (MANE Select); 3 bases into the intron after coding-DNA position 351, G replaced by A.
Molecular consequence: intron variant.
Genome position (GRCh38, 1-based): chr15:75,367,508, C>T on the plus strand (G>A on the coding strand, the complement: MAN2C1 is on the minus strand). VCF-style: chr15-75367508-C-T. GRCh37 (hg19) VCF-style: chr15-75659849-C-T.
Other names: c.351+3G>A (NM_001256496.2, NM_001256495.2, NM_001256494.2).
Identifiers: ClinVar variation 1803700 (VCV001803700.3), dbSNP rs1218914016, ClinGen allele CA2188108984.